The following is an entry in ClinVar:

NM_032856.5(WDR73):c.935G>A (p.Arg312Gln)

Gene: WDR73 (WD repeat domain 73; minus strand). Cytogenetic location: 15q25.2.
Variant type: single nucleotide variant.
Coding change: c.935G>A on transcript NM_032856.5 (MANE Select); coding-DNA position 935, G replaced by A.
Protein change: p.Arg312Gln; replaces arginine 312 with glutamine.
Molecular consequence: missense variant. On other transcripts: non-coding transcript variant (4).
Genome position (GRCh38, 1-based): chr15:84,643,672, C>T on the plus strand (G>A on the coding strand, the complement: WDR73 is on the minus strand). VCF-style: chr15-84643672-C-T. GRCh37 (hg19) VCF-style: chr15-85186903-C-T.
Other names: short protein forms R312Q.
Identifiers: ClinVar variation 500421 (VCV000500421.42), dbSNP rs201294090, ClinGen allele CA7707188.

ClinVar aggregate classification (germline): Conflicting classifications of pathogenicity. Review status: criteria provided, conflicting classifications (1 of 4 stars). 5 submissions from 5 submitters: Uncertain significance (2); Likely benign (2). 1 of the submissions does not count toward it. Last evaluated 2026-01-12.

Conditions:
WDR73-related disorder. Also called: WDR73-related disorders; WDR73-related condition.

Allele frequency attached by ClinVar (database versions not stated): gnomAD exomes 0.00017 and 0.00029; ExAC 0.00040; 1000 Genomes Project 0.00080; ESP Exome Variant Server 0.00089; gnomAD 0.00140 and 0.00156; TOPMed 0.00154.
gnomAD v4.1: 418 of 1,374,750 alleles (0.03%); highest among the groups gnomAD compares: African/African-American, 0.51%; 1 homozygote.

Submissions (5):

Labcorp Genetics (formerly Invitae), Labcorp
Classification: Likely benign. Last evaluated: 2026-01-12. Review status: criteria provided, single submitter. Criteria: Invitae Variant Classification Sherloc (09022015). Collection method: clinical testing. Allele origin: germline.

CeGaT Center for Human Genetics Tuebingen
Classification: Likely benign. Last evaluated: 2024-10-01. Review status: criteria provided, single submitter. Criteria: CeGaT Center For Human Genetics Tuebingen Variant Classification Criteria Version 2. Collection method: clinical testing. Allele origin: germline. Affected: yes. Observed: 2 variant alleles.
Comment: WDR73: BP4

GeneDx
Classification: Uncertain significance. Last evaluated: 2024-02-29. Review status: criteria provided, single submitter. Criteria: GeneDx Variant Classification Process June 2021. Collection method: clinical testing. Allele origin: germline. Affected: yes.
Comment: In silico analysis supports that this missense variant does not alter protein structure/function; Has not been previously published as pathogenic or benign in association with Galloway-Mowat syndrome to our knowledge; This variant is associated with the following publications: (PMID: 33747040)

Eurofins Ntd Llc (ga)
Classification: Uncertain significance. Last evaluated: 2017-02-09. Review status: criteria provided, single submitter. Criteria: EGL Classification Definitions 2015. Collection method: clinical testing. Allele origin: germline. Observed: 2 variant alleles, 2 heterozygotes.

PreventionGenetics, part of Exact Sciences
Classification: Likely benign for WDR73-related condition. Last evaluated: 2021-05-31. Review status: no assertion criteria provided. Collection method: clinical testing. Allele origin: germline. Not counted in ClinVar's aggregate classification.
Comment: This variant is classified as likely benign based on ACMG/AMP sequence variant interpretation guidelines (Richards et al. 2015 PMID: 25741868, with internal and published modifications).